The following is an entry in ClinVar:

NM_000268.4(NF2):c.1387G>T (p.Glu463Ter)

Gene: NF2 (NF2, moesin-ezrin-radixin like (MERLIN) tumor suppressor; plus strand). Cytogenetic location: 22q12.2.
Variant type: single nucleotide variant.
Coding change: c.1387G>T on transcript NM_000268.4 (MANE Select); coding-DNA position 1387, G replaced by T.
Protein change: p.Glu463Ter; replaces glutamic acid 463 with a stop codon.
Molecular consequence: nonsense. On other transcripts: non-coding transcript variant (1), intron variant (1).
Genome position (GRCh38, 1-based): chr22:29,674,882, G>T. VCF-style: chr22-29674882-G-T. GRCh37 (hg19) VCF-style: chr22-30070871-G-T.
Other names: c.1387G>T, p.Glu463Ter (NM_016418.5, NM_181825.3, NM_181832.3); c.1261G>T, p.Glu421Ter (NM_181828.3); c.1264G>T, p.Glu422Ter (NM_181829.3); c.1138G>T, p.Glu380Ter (NM_181830.3, NM_181831.3); c.448-19870G>T (NM_181833.3); short protein forms E463*, E422*, E380*, E421*.
Identifiers: ClinVar variation 3294 (VCV000003294.11), dbSNP rs74315503, ClinGen allele CA021321.

ClinVar aggregate classification (germline): Pathogenic. Review status: criteria provided, single submitter (1 of 4 stars). 2 submissions from 2 submitters: Pathogenic (1). 1 of the submissions does not count toward it. Last evaluated 2020-07-30.

Conditions:
Neurofibromatosis, type 2 (SWNV). Also called: NF2-Related Schwannomatosis; BILATERAL ACOUSTIC NEUROFIBROMATOSIS; SCHWANNOMATOSIS, VESTIBULAR. Identifiers: Orphanet 637, MedGen C0027832, MONDO:0007039, OMIM 101000. Disease mechanism: loss of function.

Submissions (2):

Labcorp Genetics (formerly Invitae), Labcorp
Classification: Pathogenic for Neurofibromatosis, type 2. Last evaluated: 2020-07-30. Review status: criteria provided, single submitter. Criteria: Invitae Variant Classification Sherloc (09022015). Collection method: clinical testing. Allele origin: germline.
Comment: This variant has been observed in individual(s) with neurofibromatosis type 2 (PMID: 7913580). ClinVar contains an entry for this variant (Variation ID: 3294). Loss-of-function variants in NF2 are known to be pathogenic (PMID: 9643284, 16983642). For these reasons, this variant has been classified as Pathogenic. This sequence change creates a premature translational stop signal (p.Glu463*) in the NF2 gene. It is expected to result in an absent or disrupted protein product. This variant is not present in population databases (ExAC no frequency).

OMIM
Classification: Pathogenic for SHWANNOMATOSIS, VESTIBULAR. Last evaluated: 1994-08-01. Review status: no assertion criteria provided. Collection method: literature only. Allele origin: germline. Not counted in ClinVar's aggregate classification.

Literature cited by the submitters: PubMed 7913580 (cited by Labcorp Genetics (formerly Invitae), Labcorp and OMIM); PubMed 9643284 (cited by Labcorp Genetics (formerly Invitae), Labcorp); PubMed 16983642 (cited by Labcorp Genetics (formerly Invitae), Labcorp).